The following is an entry in ClinVar:

ClinVar aggregate classification (germline): Uncertain significance (1 of 4 stars; one submission).

Submission:

Labcorp Genetics (formerly Invitae), Labcorp
Classification: Uncertain significance. Last evaluated: 2024-06-13. Review status: criteria provided, single submitter. Criteria: Invitae Variant Classification Sherloc (09022015). Collection method: clinical testing. Allele origin: germline.
Comment: This sequence change falls in intron 9 of the POLE gene. It does not directly change the encoded amino acid sequence of the POLE protein. It affects a nucleotide within the consensus splice site. This variant is not present in population databases (gnomAD no frequency). This variant has not been reported in the literature in individuals affected with POLE-related conditions. Variants that disrupt the consensus splice site are a relatively common cause of aberrant splicing (PMID: 17576681, 9536098). Algorithms developed to predict the effect of sequence changes on RNA splicing suggest that this variant may disrupt the consensus splice site. In summary, the available evidence is currently insufficient to determine the role of this variant in disease. Therefore, it has been classified as a Variant of Uncertain Significance.

Literature cited by the submitters: PubMed 17576681; PubMed 9536098.

NM_006231.4(POLE):c.909+4A>T

Gene: POLE (DNA polymerase epsilon, catalytic subunit; minus strand). Cytogenetic location: 12q24.33.
Variant type: single nucleotide variant.
Coding change: c.909+4A>T on transcript NM_006231.4 (MANE Select); 4 bases into the intron after coding-DNA position 909, A replaced by T.
Molecular consequence: intron variant.
Genome position (GRCh38, 1-based): chr12:132,676,542, T>A on the plus strand (A>T on the coding strand, the complement: POLE is on the minus strand). VCF-style: chr12-132676542-T-A. GRCh37 (hg19) VCF-style: chr12-133253128-T-A.
Identifiers: ClinVar variation 3656539 (VCV003656539.2).